The following is an entry in ClinVar:

ClinVar aggregate classification (germline): Uncertain significance (1 of 4 stars; one submission).

Allele frequency attached by ClinVar (database versions not stated): TOPMed 0.00001.
gnomAD v4.1: 2 of 1,600,650 alleles (0.00012%); highest among the groups gnomAD compares: Non-Finnish European, 0.00017%; no homozygotes.

Submission:

Labcorp Genetics (formerly Invitae), Labcorp
Classification: Uncertain significance. Last evaluated: 2025-04-14. Review status: criteria provided, single submitter. Criteria: Invitae Variant Classification Sherloc (09022015). Collection method: clinical testing. Allele origin: germline.
Comment: This sequence change replaces threonine, which is neutral and polar, with alanine, which is neutral and non-polar, at codon 197 of the ERBIN protein (p.Thr197Ala). This variant is not present in population databases (gnomAD no frequency). This variant has not been reported in the literature in individuals affected with ERBIN-related conditions. ClinVar contains an entry for this variant (Variation ID: 1961138). An algorithm developed to predict the effect of missense changes on protein structure and function (PolyPhen-2) suggests that this variant is likely to be tolerated. In summary, the available evidence is currently insufficient to determine the role of this variant in disease. Therefore, it has been classified as a Variant of Uncertain Significance.

NM_001253697.2(ERBIN):c.589A>G (p.Thr197Ala)

Gene: ERBIN (erbb2 interacting protein; plus strand). Cytogenetic location: 5q12.3.
Variant type: single nucleotide variant.
Coding change: c.589A>G on transcript NM_001253697.2 (MANE Select); coding-DNA position 589, A replaced by G.
Protein change: p.Thr197Ala; replaces threonine 197 with alanine.
Molecular consequence: missense variant.
Genome position (GRCh38, 1-based): chr5:66,021,377, A>G. VCF-style: chr5-66021377-A-G. GRCh37 (hg19) VCF-style: chr5-65317205-A-G.
Other names: c.589A>G, p.Thr197Ala (NM_001006600.3, NM_001253698.2, NM_001253699.2 and 2 more transcripts); short protein forms T197A.
Identifiers: ClinVar variation 1961138 (VCV001961138.5), dbSNP rs1755665826, ClinGen allele CA359974440.